The following is an entry in ClinVar:

NM_004958.4(MTOR):c.3935C>T (p.Pro1312Leu)

Gene: MTOR (mechanistic target of rapamycin kinase; minus strand). Cytogenetic location: 1p36.22.
Variant type: single nucleotide variant.
Coding change: c.3935C>T on transcript NM_004958.4 (MANE Select); coding-DNA position 3935, C replaced by T.
Protein change: p.Pro1312Leu; replaces proline 1312 with leucine.
Molecular consequence: missense variant.
Genome position (GRCh38, 1-based): chr1:11,204,570, G>A on the plus strand (C>T on the coding strand, the complement: MTOR is on the minus strand). VCF-style: chr1-11204570-G-A. GRCh37 (hg19) VCF-style: chr1-11264627-G-A.
Other names: c.2687C>T, p.Pro896Leu (NM_001386501.1); c.3935C>T, p.Pro1312Leu (NM_001386500.1); short protein forms P1312L, P896L.
Identifiers: ClinVar variation 1710387 (VCV001710387.3), dbSNP rs2100764802, ClinGen allele CA338393069.

ClinVar aggregate classification (germline): Uncertain significance (1 of 4 stars; one submission).

Allele frequency attached by ClinVar (database versions not stated): gnomAD exomes below 0.00001.
gnomAD v4.1: 5 of 1,613,912 alleles (0.00031%); highest among the groups gnomAD compares: South Asian, 0.0011%; no homozygotes.

Submission:

Greenwood Genetic Center Diagnostic Laboratories, Greenwood Genetic Center
Classification: Uncertain significance. Last evaluated: 2022-08-30. Review status: criteria provided, single submitter. Criteria: ACMG Guidelines, 2015. Collection method: clinical testing. Allele origin: germline. Affected: yes.
Comment: PM2, PP2, PP3